The following is an entry in ClinVar:

NM_001205293.3(CACNA1E):c.102G>A (p.Gly34=)

Gene: CACNA1E (calcium voltage-gated channel subunit alpha1 E; plus strand). Cytogenetic location: 1q25.3.
Variant type: single nucleotide variant.
Coding change: c.102G>A on transcript NM_001205293.3 (MANE Select); coding-DNA position 102, G replaced by A.
Protein change: p.Gly34=; no amino-acid change (glycine 34 retained).
Molecular consequence: synonymous variant.
Genome position (GRCh38, 1-based): chr1:181,483,846, G>A. VCF-style: chr1-181483846-G-A. GRCh37 (hg19) VCF-style: chr1-181452982-G-A.
Other names: c.102G>A, p.Gly34= (NM_000721.4, NM_001205294.2).
Identifiers: ClinVar variation 1534871 (VCV001534871.10), dbSNP rs749016459, ClinGen allele CA1274826.

ClinVar aggregate classification (germline): Likely benign. Review status: criteria provided, multiple submitters, no conflicts (2 of 4 stars). 2 submissions from 2 submitters: Likely benign (2). Last evaluated 2026-06-01.

Allele frequency attached by ClinVar (database versions not stated): gnomAD exomes below 0.00001; ExAC 0.00001; gnomAD 0.00001; TOPMed 0.00001.
gnomAD v4.1: 9 of 1,613,772 alleles (0.00056%); highest among the groups gnomAD compares: Middle Eastern, 0.017%; no homozygotes.

Submissions (2):

CeGaT Center for Human Genetics Tuebingen
Classification: Likely benign. Last evaluated: 2026-06-01. Review status: criteria provided, single submitter. Criteria: CeGaT Center For Human Genetics Tuebingen Variant Classification Criteria Version 2. Collection method: clinical testing. Allele origin: germline. Affected: yes. Observed: 1 variant allele.
Comment: CACNA1E: BP4

Labcorp Genetics (formerly Invitae), Labcorp
Classification: Likely benign. Last evaluated: 2026-01-01. Review status: criteria provided, single submitter. Criteria: Invitae Variant Classification Sherloc (09022015). Collection method: clinical testing. Allele origin: germline.